The following is an entry in ClinVar:

NM_005359.6(SMAD4):c.667+9T>C

Gene: SMAD4 (SMAD family member 4; plus strand). Cytogenetic location: 18q21.2.
Variant type: single nucleotide variant.
Coding change: c.667+9T>C on transcript NM_005359.6 (MANE Select); 9 bases into the intron after coding-DNA position 667, T replaced by C.
Molecular consequence: intron variant.
Genome position (GRCh38, 1-based): chr18:51,055,002, T>C. VCF-style: chr18-51055002-T-C. GRCh37 (hg19) VCF-style: chr18-48581372-T-C.
Identifiers: ClinVar variation 378625 (VCV000378625.21), dbSNP rs776523203, ClinGen allele CA8965861.

ClinVar aggregate classification (germline): Benign/Likely benign. Review status: criteria provided, multiple submitters, no conflicts (2 of 4 stars). 10 submissions from 10 submitters: Benign (2); Likely benign (6). 2 of the submissions do not count toward it. Last evaluated 2026-01-27.

Conditions:
SMAD4-related disorder. Also called: SMAD4-related condition; SMAD4-Related disorders.
Juvenile polyposis syndrome (JPS). Identifiers: Orphanet 2929, MedGen C0345893, MONDO:0017380, OMIM 174900.
Hereditary cancer-predisposing syndrome. Also called: Hereditary Cancer Syndrome; Hereditary neoplastic syndrome; Tumor predisposition; Neoplastic Syndromes, Hereditary. Identifiers: Orphanet 140162, MedGen C0027672, MeSH D009386, MONDO:0015356.
Juvenile polyposis/hereditary hemorrhagic telangiectasia syndrome (JPHT). Also called: TELANGIECTASIA, HEREDITARY HEMORRHAGIC, WITH JUVENILE POLYPOSIS COLI; Juvenile Polyposis Syndrome / Hereditary Hemorrhagic Telangiectasia (JPS/HHT); POLYPOSIS, GENERALIZED JUVENILE, WITH PULMONARY ARTERIOVENOUS MALFORMATION; JP/HHT SYNDROME; JUVENILE POLYPOSIS WITH HEREDITARY HEMORRHAGIC TELANGIECTASIA. Identifiers: Orphanet 2929, MedGen C1832942, MONDO:0008278, OMIM 175050.

Allele frequency attached by ClinVar (database versions not stated): gnomAD exomes 0.00006 and 0.00013; TOPMed 0.00004; gnomAD 0.00005 and 0.00006; ExAC 0.00006.
gnomAD v4.1: 204 of 1,598,246 alleles (0.013%); highest among the groups gnomAD compares: Non-Finnish European, 0.017%; 1 homozygote.

Submissions (10):

Labcorp Genetics (formerly Invitae), Labcorp
Classification: Likely benign for Juvenile polyposis syndrome. Last evaluated: 2026-01-27. Review status: criteria provided, single submitter. Criteria: Invitae Variant Classification Sherloc (09022015). Collection method: clinical testing. Allele origin: germline.

Women's Health and Genetics/Laboratory Corporation of America, LabCorp
Classification: Benign. Last evaluated: 2025-12-16. Review status: criteria provided, single submitter. Criteria: LabCorp Variant Classification Summary - May 2015. Collection method: clinical testing. Allele origin: germline.

Department of Pathology and Laboratory Medicine, Sinai Health System
Classification: Likely benign for juvenile polyposis/hereditary hemorrhagic telangiectasia syndrome. Last evaluated: 2024-10-21. Review status: criteria provided, single submitter. Criteria: ACMG Guidelines, 2015. Collection method: clinical testing. Allele origin: germline.

Myriad Genetics, Inc.
Classification: Likely benign for Juvenile polyposis/hereditary hemorrhagic telangiectasia syndrome. Last evaluated: 2023-04-10. Review status: criteria provided, single submitter. Criteria: Myriad Autosomal Dominant, Autosomal Recessive and X-Linked Classification Criteria (2023). Collection method: clinical testing. Allele origin: unknown.
Comment: This variant is considered likely benign. This variant is intronic and is not expected to impact mRNA splicing.

Blueprint Genetics
Classification: Likely benign. Last evaluated: 2023-03-29. Review status: criteria provided, single submitter. Criteria: ACMG Guidelines, 2015. Collection method: clinical testing. Allele origin: germline.

Quest Diagnostics Nichols Institute San Juan Capistrano
Classification: Benign. Last evaluated: 2020-03-15. Review status: criteria provided, single submitter. Criteria: Quest Diagnostics criteria. Collection method: clinical testing. Allele origin: unknown.

GeneDx
Classification: Likely benign. Last evaluated: 2017-06-01. Review status: criteria provided, single submitter. Criteria: GeneDx Variant Classification (06012015). Collection method: clinical testing. Allele origin: germline. Affected: yes.
Comment: This variant is considered likely benign or benign based on one or more of the following criteria: it is a conservative change, it occurs at a poorly conserved position in the protein, it is predicted to be benign by multiple in silico algorithms, and/or has population frequency not consistent with disease.

Color Diagnostics, LLC DBA Color Health
Classification: Likely benign for Hereditary cancer-predisposing syndrome. Last evaluated: 2016-09-26. Review status: criteria provided, single submitter. Criteria: ACMG Guidelines, 2015. Collection method: clinical testing. Allele origin: germline.

PreventionGenetics, part of Exact Sciences
Classification: Likely benign for SMAD4-related condition. Last evaluated: 2019-09-28. Review status: no assertion criteria provided. Collection method: clinical testing. Allele origin: germline. Not counted in ClinVar's aggregate classification.
Comment: This variant is classified as likely benign based on ACMG/AMP sequence variant interpretation guidelines (Richards et al. 2015 PMID: 25741868, with internal and published modifications).

Counsyl
Classification: Likely benign for Juvenile polyposis syndrome. Last evaluated: 2017-08-03. Review status: no assertion criteria provided. Collection method: clinical testing. Allele origin: unknown. Not counted in ClinVar's aggregate classification.